The following is an entry in ClinVar:

NM_025265.4(TSEN2):c.784G>A (p.Glu262Lys)

Gene: TSEN2 (tRNA splicing endonuclease subunit 2; plus strand). Cytogenetic location: 3p25.2.
Variant type: single nucleotide variant.
Coding change: c.784G>A on transcript NM_025265.4 (MANE Select); coding-DNA position 784, G replaced by A.
Protein change: p.Glu262Lys; replaces glutamic acid 262 with lysine.
Molecular consequence: missense variant. On other transcripts: non-coding transcript variant (1).
Genome position (GRCh38, 1-based): chr3:12,503,737, G>A. VCF-style: chr3-12503737-G-A. GRCh37 (hg19) VCF-style: chr3-12545236-G-A.
Other names: c.784G>A, p.Glu262Lys (NM_001145392.2, NM_001145393.3, NM_001321277.2 and 2 more transcripts); c.607G>A, p.Glu203Lys (NM_001145394.2); short protein forms E203K, E262K.
Identifiers: ClinVar variation 437061 (VCV000437061.9), dbSNP rs770220924, ClinGen allele CA2258601.

ClinVar aggregate classification (germline): Uncertain significance. Review status: criteria provided, multiple submitters, no conflicts (2 of 4 stars). 2 submissions from 2 submitters: Uncertain significance (2). Last evaluated 2022-12-16.

Allele frequency attached by ClinVar (database versions not stated): ExAC 0.00001; gnomAD 0.00001; TOPMed 0.00001; gnomAD exomes 0.00002.
gnomAD v4.1: 29 of 1,614,066 alleles (0.0018%); highest among the groups gnomAD compares: Admixed American, 0.0067%; no homozygotes.

Submissions (2):

Labcorp Genetics (formerly Invitae), Labcorp
Classification: Uncertain significance. Last evaluated: 2022-12-16. Review status: criteria provided, single submitter. Criteria: Invitae Variant Classification Sherloc (09022015). Collection method: clinical testing. Allele origin: germline.
Comment: This variant has not been reported in the literature in individuals affected with TSEN2-related conditions. This variant is present in population databases (rs770220924, gnomAD 0.01%). This sequence change replaces glutamic acid, which is acidic and polar, with lysine, which is basic and polar, at codon 262 of the TSEN2 protein (p.Glu262Lys). In summary, the available evidence is currently insufficient to determine the role of this variant in disease. Therefore, it has been classified as a Variant of Uncertain Significance. Advanced modeling of protein sequence and biophysical properties (such as structural, functional, and spatial information, amino acid conservation, physicochemical variation, residue mobility, and thermodynamic stability) performed at Invitae indicates that this missense variant is expected to disrupt TSEN2 protein function. ClinVar contains an entry for this variant (Variation ID: 437061).

Genetic Services Laboratory, University of Chicago
Classification: Uncertain significance. Last evaluated: 2016-07-20. Review status: criteria provided, single submitter. Criteria: ACMG Guidelines, 2015. Collection method: clinical testing. Allele origin: germline. Affected: no.